The following is an entry in ClinVar:

NM_005228.5(EGFR):c.2508C>A (p.Arg836=)

Gene: EGFR (epidermal growth factor receptor; plus strand). Cytogenetic location: 7p11.2.
Variant type: single nucleotide variant.
Coding change: c.2508C>A on transcript NM_005228.5 (MANE Select); coding-DNA position 2508, C replaced by A.
Protein change: p.Arg836=; no amino-acid change (arginine 836 retained).
Molecular consequence: synonymous variant.
Genome position (GRCh38, 1-based): chr7:55,191,757, C>A. VCF-style: chr7-55191757-C-A. GRCh37 (hg19) VCF-style: chr7-55259450-C-A.
Other names: c.2373C>A, p.Arg791= (NM_001346897.2, NM_001346899.2); c.2508C>A, p.Arg836= (NM_001346898.2); c.2349C>A, p.Arg783= (NM_001346900.2); c.1707C>A, p.Arg569= (NM_001346941.2).
Identifiers: ClinVar variation 1921322 (VCV001921322.7), dbSNP rs2229066, ClinGen allele CA454965598.

ClinVar aggregate classification (germline): Benign/Likely benign. Review status: criteria provided, multiple submitters, no conflicts (2 of 4 stars). 3 submissions from 3 submitters: Benign (1); Likely benign (2). Last evaluated 2026-06-13.

Conditions:
Lung cancer. Also called: Lung cancer, somatic; Malignant tumor of lung. Identifiers: MedGen C0242379, MONDO:0008903, OMIM 211980.
EGFR-related lung cancer (EGFR). Identifiers: MedGen CN130014.
Hereditary cancer-predisposing syndrome. Also called: Neoplastic Syndromes, Hereditary; Tumor predisposition; Hereditary Cancer Syndrome; Hereditary neoplastic syndrome. Identifiers: Orphanet 140162, MedGen C0027672, MeSH D009386, MONDO:0015356.

gnomAD v4.1: 1 of 1,613,828 alleles (0.000062%); highest among the groups gnomAD compares: Non-Finnish European, 0.000085%; no homozygotes.

Submissions (3):

Ambry Genetics
Classification: Likely benign for Hereditary cancer-predisposing syndrome. Last evaluated: 2026-06-13. Review status: criteria provided, single submitter. Criteria: Ambry Variant Classification Scheme 2023. Collection method: clinical testing. Allele origin: germline.

Labcorp Genetics (formerly Invitae), Labcorp
Classification: Likely benign for EGFR-related lung cancer. Last evaluated: 2025-12-22. Review status: criteria provided, single submitter. Criteria: Invitae Variant Classification Sherloc (09022015). Collection method: clinical testing. Allele origin: germline.

Myriad Genetics, Inc.
Classification: Benign for Lung cancer. Last evaluated: 2024-10-17. Review status: criteria provided, single submitter. Criteria: Myriad Autosomal Dominant, Autosomal Recessive and X-Linked Classification Criteria (2023). Collection method: clinical testing. Allele origin: unknown.
Comment: This variant is considered benign. This variant is a silent/synonymous amino acid change and it is not expected to impact splicing.